The following is an entry in ClinVar:

ClinVar aggregate classification (germline): Uncertain significance (1 of 4 stars; one submission).

Conditions:
Hereditary cancer-predisposing syndrome. Also called: Neoplastic Syndromes, Hereditary; Tumor predisposition; Hereditary Cancer Syndrome; Hereditary neoplastic syndrome. Identifiers: Orphanet 140162, MedGen C0027672, MeSH D009386, MONDO:0015356.

Submission:

Ambry Genetics
Classification: Uncertain significance for Hereditary cancer-predisposing syndrome. Last evaluated: 2024-05-21. Review status: criteria provided, single submitter. Criteria: Ambry Variant Classification Scheme 2023. Collection method: clinical testing. Allele origin: germline.
Comment: The p.V2926F variant (also known as c.8776G>T), located in coding exon 59 of the ATM gene, results from a G to T substitution at nucleotide position 8776. The valine at codon 2926 is replaced by phenylalanine, an amino acid with highly similar properties. This amino acid position is highly conserved in available vertebrate species. In addition, this alteration is predicted to be deleterious by in silico analysis. Based on the available evidence, the clinical significance of this variant remains unclear.

NM_000051.4(ATM):c.8776G>T (p.Val2926Phe)

Genes: ATM (ATM serine/threonine kinase; plus strand), C11orf65 (chromosome 11 open reading frame 65; minus strand). Cytogenetic location: 11q22.3.
Variant type: single nucleotide variant.
Coding change: c.8776G>T on transcript NM_000051.4 (MANE Select); coding-DNA position 8776, G replaced by T.
Protein change: p.Val2926Phe; replaces valine 2926 with phenylalanine.
Molecular consequence: missense variant. On other transcripts: intron variant (2).
Genome position (GRCh38, 1-based): chr11:108,353,870, G>T. VCF-style: chr11-108353870-G-T. GRCh37 (hg19) VCF-style: chr11-108224597-G-T.
Other names: c.8776G>T, p.Val2926Phe (NM_001351834.2); c.640+32050C>A (NM_001330368.2); c.695-18578C>A (NM_001351110.2); short protein forms V2926F.
Identifiers: ClinVar variation 3326122 (VCV003326122.1).
Genomic context (GRCh38, chr11:108,353,870, plus strand): 5'-GTTCCTTTTAGACTCACCAGAGATATTGTGGATGGCATGGGCATTACGGGTGTTGAAGGT[G>T]TCTTCAGAAGGTAAGTGATATGAAGTAAAGGAGGGAAATAATTTTTGATGTCAAAATTAC-3'
Protein context (NP_000042.3, residues 2916-2936): DGMGITGVEG[Val2926Phe]FRRCCEKTME